The following is an entry in ClinVar:

ClinVar aggregate classification (germline): Uncertain significance (1 of 4 stars; one submission).

Conditions:
Epidermolysis bullosa simplex 5B, with muscular dystrophy (EBS5B). Also called: EPIDERMOLYSIS BULLOSA SIMPLEX AND LIMB-GIRDLE MUSCULAR DYSTROPHY; Epidermolysis bullosa simplex with muscular dystrophy. Identifiers: Orphanet 257, MedGen C2931072, MONDO:0009181, OMIM 226670.
Epidermolysis bullosa simplex, Ogna type (EBS5A). Also called: Pidermolysis bullosa simplex 5A, Ogna type; EPIDERMOLYSIS BULLOSA SIMPLEX 5A, OGNA TYPE. Identifiers: Orphanet 79401, MedGen C0432317, MONDO:0007555, OMIM 131950.
Epidermolysis bullosa simplex 5C, with pyloric atresia (EBS5C). Also called: Epidermolysis bullosa simplex with pyloric atresia; PLEC-Related Epidermolysis Bullosa with Pyloric Atresia; PLEC1-Related Epidermolysis Bullosa with Pyloric Atresia. Identifiers: Orphanet 158684, MedGen C2677349, MONDO:0012807, OMIM 612138.
Autosomal recessive limb-girdle muscular dystrophy type 2Q (LGMDR17). Also called: MUSCULAR DYSTROPHY, LIMB-GIRDLE, AUTOSOMAL RECESSIVE 17. Identifiers: Orphanet 254361, MedGen C3150989, MONDO:0013390, OMIM 613723.
Epidermolysis bullosa simplex with nail dystrophy (EBS5D). Identifiers: MedGen C4225309, MONDO:0014661, OMIM 616487.

gnomAD v4.1: 20 of 1,551,162 alleles (0.0013%); highest among the groups gnomAD compares: Non-Finnish European, 0.0016%; no homozygotes.

Submission:

Labcorp Genetics (formerly Invitae), Labcorp
Classification: Uncertain significance for Autosomal recessive limb-girdle muscular dystrophy type 2Q; Epidermolysis bullosa simplex, Ogna type; Epidermolysis bullosa simplex with nail dystrophy; Epidermolysis bullosa simplex 5C, with pyloric atresia; Epidermolysis bullosa simplex 5B, with muscular dystrophy. Last evaluated: 2025-02-13. Review status: criteria provided, single submitter. Criteria: Invitae Variant Classification Sherloc (09022015). Collection method: clinical testing. Allele origin: germline.
Comment: This sequence change replaces alanine, which is neutral and non-polar, with serine, which is neutral and polar, at codon 1555 of the PLEC protein (p.Ala1555Ser). The frequency data for this variant in the population databases is considered unreliable, as metrics indicate poor data quality at this position in the gnomAD database. This variant has not been reported in the literature in individuals affected with PLEC-related conditions. Experimental studies and prediction algorithms are not available or were not evaluated, and the functional significance of this variant is currently unknown. In summary, the available evidence is currently insufficient to determine the role of this variant in disease. Therefore, it has been classified as a Variant of Uncertain Significance.

NM_201384.3(PLEC):c.4582G>T (p.Ala1528Ser)

Gene: PLEC (plectin; minus strand). Cytogenetic location: 8q24.3.
Variant type: single nucleotide variant.
Coding change: c.4582G>T on transcript NM_201384.3 (MANE Select); coding-DNA position 4582, G replaced by T.
Protein change: p.Ala1528Ser; replaces alanine 1528 with serine.
Molecular consequence: missense variant. On other transcripts: intron variant (1).
Genome position (GRCh38, 1-based): chr8:143,925,347, C>A on the plus strand (G>T on the coding strand, the complement: PLEC is on the minus strand). VCF-style: chr8-143925347-C-A. GRCh37 (hg19) VCF-style: chr8-144999515-C-A.
Other names: c.4663G>T, p.Ala1555Ser (NM_000445.5); c.4540G>T, p.Ala1514Ser (NM_201378.4); c.4516G>T, p.Ala1506Ser (NM_201379.3); c.4993G>T, p.Ala1665Ser (NM_201380.4); c.4486G>T, p.Ala1496Ser (NM_201381.3); c.4582G>T, p.Ala1528Ser (NM_201382.4); c.4594G>T, p.Ala1532Ser (NM_201383.3); c.4125+1437G>T (NM_001410941.1); short protein forms A1514S, A1528S, A1532S, A1555S, A1496S, A1665S, A1506S.
Identifiers: ClinVar variation 4794064 (VCV004794064.1).